The following is an entry in ClinVar:

ClinVar aggregate classification (germline): Pathogenic/Likely pathogenic. Review status: criteria provided, multiple submitters, no conflicts (2 of 4 stars). 2 submissions from 2 submitters: Pathogenic (1); Likely pathogenic (1). Last evaluated 2024-12-10.

Conditions:
Becker muscular dystrophy (BMD). Also called: Becker Muscular Dystrophy (BMD); MUSCULAR DYSTROPHY, PSEUDOHYPERTROPHIC PROGRESSIVE, BECKER TYPE. Identifiers: Orphanet 98895, MedGen C0917713, MONDO:0010311, OMIM 300376.
Duchenne muscular dystrophy (DMD). Also called: Duchenne Muscular Dystrophy (DMD); MUSCULAR DYSTROPHY, PSEUDOHYPERTROPHIC PROGRESSIVE, DUCHENNE TYPE. Identifiers: Orphanet 98896, MedGen C0013264, MONDO:0010679, OMIM 310200.
Dilated cardiomyopathy 3B (CMD3B). Also called: CMD3B: DMD-Related Dilated Cardiomyopathy; CARDIOMYOPATHY, DILATED, X-LINKED; DMD-Associated Dilated Cardiomyopathy. Identifiers: Orphanet 154, MedGen C3668940, MONDO:0010542, OMIM 302045.
Neuromuscular disease caused by qualitative or quantitative defects of dystrophin. Also called: Qualitative or quantitative defects of dystrophin. Identifiers: Orphanet 207085, MedGen C5679787, MONDO:0016147.

Submissions (2):

Women's Health and Genetics/Laboratory Corporation of America, LabCorp
Classification: Likely pathogenic for Neuromuscular disease caused by qualitative or quantitative defects of dystrophin. Last evaluated: 2024-12-10. Review status: criteria provided, single submitter. Criteria: LabCorp Variant Classification Summary - May 2015. Collection method: clinical testing. Allele origin: germline.
Comment: Variant summary: DMD c.530+1G>T is located in a canonical splice-site and is predicted to affect mRNA splicing resulting in a significantly altered protein due to either exon skipping, shortening, or inclusion of intronic material. Variants that disrupt the consensus splice site are a relatively common cause of aberrant splicing and loss of DMD function. Several computational tools predict a significant impact on normal splicing: Four predict the variant abolishes a 5' splicing donor site. However, these predictions have yet to be confirmed by functional studies. The variant was absent in 183350 control chromosomes (gnomAD). c.530+1G>T has been reported in the literature in individuals affected with Dystrophinopathies (e.g. Bennett_2001, Lee_2021). These data indicate that the variant may be associated with disease. To our knowledge, no experimental evidence demonstrating an impact on protein function has been reported. The following publications have been ascertained in the context of this evaluation (PMID: 11710958, 33965408). No submitters have cited clinical-significance assessments for this variant to ClinVar. Based on the evidence outlined above, the variant was classified as likely pathogenic.

Juno Genomics, Hangzhou Juno Genomics, Inc
Classification: Pathogenic for Becker muscular dystrophy; Dilated cardiomyopathy 3B; Duchenne muscular dystrophy. Review status: criteria provided, single submitter. Criteria: ACMG Guidelines, 2015. Collection method: clinical testing. Allele origin: germline. Affected: yes.
Comment: Absent from controls (or at extremely low frequency if recessive) in Genome Aggregation Database.;Null variant in a gene where loss of function (LOF) is a known mechanism of disease.;Patient's phenotype or family history is highly specific for a disease with a single genetic etiology.

Literature cited by the submitters: PubMed 11710958 (cited by Women's Health and Genetics/Laboratory Corporation of America, LabCorp); PubMed 33965408 (cited by Women's Health and Genetics/Laboratory Corporation of America, LabCorp).

NM_004006.3(DMD):c.530+1G>T

Gene: DMD (dystrophin; minus strand). Cytogenetic location: Xp21.1.
Variant type: single nucleotide variant.
Coding change: c.530+1G>T on transcript NM_004006.3 (MANE Select); the canonical splice donor site of the intron after coding-DNA position 530, G replaced by T.
Molecular consequence: splice donor variant.
Genome position (GRCh38, 1-based): chrX:32,816,467, C>A on the plus strand (G>T on the coding strand, the complement: DMD is on the minus strand). VCF-style: chrX-32816467-C-A. GRCh37 (hg19) VCF-style: chrX-32834584-C-A.
Other names: c.506+1G>T (NM_000109.4); c.518+1G>T (NM_004009.3); c.161+1G>T (NM_004010.3).
Identifiers: ClinVar variation 3768149 (VCV003768149.2), dbSNP rs2148805769.